The following is an entry in ClinVar:

ClinVar aggregate classification (germline): Uncertain significance (1 of 4 stars; one submission).

gnomAD v4.1: 6 of 1,614,070 alleles (0.00037%); highest among the groups gnomAD compares: Non-Finnish European, 0.00042%; no homozygotes.

Submission:

Ambry Genetics
Classification: Uncertain significance. Last evaluated: 2025-10-13. Review status: criteria provided, single submitter. Criteria: Ambry Variant Classification Scheme 2023. Collection method: clinical testing. Allele origin: germline.
Comment: The p.Q350H variant (also known as c.1050A>C), located in coding exon 1 of the MLH3 gene, results from an A to C substitution at nucleotide position 1050. The glutamine at codon 350 is replaced by histidine, an amino acid with highly similar properties. This amino acid position is conserved. In addition, this alteration is predicted to be tolerated by in silico analysis. Based on the available evidence, the clinical significance of this variant remains unclear.

NM_001040108.2(MLH3):c.1050A>C (p.Gln350His)

Gene: MLH3 (mutL homolog 3; minus strand). Cytogenetic location: 14q24.3.
Variant type: single nucleotide variant.
Coding change: c.1050A>C on transcript NM_001040108.2 (MANE Select); coding-DNA position 1050, A replaced by C.
Protein change: p.Gln350His; replaces glutamine 350 with histidine.
Molecular consequence: missense variant.
Genome position (GRCh38, 1-based): chr14:75,048,606, T>G on the plus strand (A>C on the coding strand, the complement: MLH3 is on the minus strand). VCF-style: chr14-75048606-T-G. GRCh37 (hg19) VCF-style: chr14-75515309-T-G.
Other names: c.1050A>C, p.Gln350His (NM_014381.3); short protein forms Q350H.
Identifiers: ClinVar variation 4552045 (VCV004552045.1).
Genomic context (GRCh38, chr14:75,048,606, plus strand): 5'-ACCATTATCTTCACTAAATTCCTTAATATCCTCACCTGATAATTCCACAAATAATTTTTC[T>G]TGCTTTAAAAACATTTTCACTCCTTCCTGAATGCAAAACAAGAGAGTGTCCCAGTTCTGA-3'
Protein context (NP_001035197.1, residues 340-360): IQEGVKMFLK[Gln350His]EKLFVELSGE